The following is an entry in ClinVar:

NM_001615.4(ACTG2):c.806_807delinsAA (p.Gly269Glu)

Gene: ACTG2 (actin gamma 2, smooth muscle; plus strand). Cytogenetic location: 2p13.1.
Variant type: Indel.
Coding change: c.806_807delinsAA on transcript NM_001615.4 (MANE Select); coding-DNA positions 806 to 807, GC replaced by AA.
Protein change: p.Gly269Glu; replaces glycine 269 with glutamic acid.
Molecular consequence: missense variant.
Genome position (GRCh38, 1-based): chr2:73,916,584-73,916,585, GC replaced by AA. VCF-style: chr2-73916584-GC-AA. GRCh37 (hg19) VCF-style: chr2-74143711-GC-AA.
Other names: c.677_678delinsAA, p.Gly226Glu (NM_001199893.2); c.806_807GC>AA (NM_001615.3); short protein forms G269E, G226E.
Identifiers: ClinVar variation 156554 (VCV000156554.3), dbSNP rs587777870, ClinGen allele CA294580.

ClinVar aggregate classification (germline): Pathogenic. Review status: criteria provided, single submitter (1 of 4 stars). 2 submissions from 2 submitters: Pathogenic (1). 1 of the submissions does not count toward it. Last evaluated 2020-03-06.

Conditions:
ACTG2-related disorder. Also called: ACTG2-related condition.
Visceral myopathy 1 (VSCM1). Also called: Visceral myopathy; Infantile visceral myopathy; ACTG2 Visceral Myopathy. Identifiers: Orphanet 2604, MedGen C5542197, MONDO:0020754, OMIM 155310.

Submissions (2):

Blueprint Genetics
Classification: Pathogenic for ACTG2-related disorders. Last evaluated: 2020-03-06. Review status: criteria provided, single submitter. Criteria: ACMG Guidelines, 2015. Collection method: clinical testing. Allele origin: germline. Affected: yes. Observed: 1 variant allele.

Department of Immunology, Genetics and Pathology,  Uppsala University
Classification: Pathogenic for Visceral myopathy. Review status: no assertion criteria provided. Collection method: not provided. Allele origin: germline, inherited, somatic. Not counted in ClinVar's aggregate classification.
ClinVar note: Converted during submission from pathogenic to Pathogenic.